The following is an entry in ClinVar:

ClinVar aggregate classification (germline): Uncertain significance. Review status: criteria provided, multiple submitters, no conflicts (2 of 4 stars). 2 submissions from 2 submitters: Uncertain significance (2). Last evaluated 2025-10-02.

Conditions:
Ulnar-mammary syndrome (UMS). Also called: PALLISTER ULNAR-MAMMARY SYNDROME; SCHINZEL SYNDROME; Ulnar-mammary syndrome of Pallister. Identifiers: Orphanet 3138, MedGen C1866994, MONDO:0008411, OMIM 181450.
TBX3-related disorder. Also called: TBX3-related condition.

Allele frequency attached by ClinVar (database versions not stated): ESP Exome Variant Server 0.00008.
gnomAD v4.1: 28 of 1,588,648 alleles (0.0018%); highest among the groups gnomAD compares: Admixed American, 0.0035%; no homozygotes.

Submissions (2):

Labcorp Genetics (formerly Invitae), Labcorp
Classification: Uncertain significance for Ulnar-mammary syndrome. Last evaluated: 2025-10-02. Review status: criteria provided, single submitter. Criteria: Invitae Variant Classification Sherloc (09022015). Collection method: clinical testing. Allele origin: germline.
Comment: This sequence change replaces alanine, which is neutral and non-polar, with valine, which is neutral and non-polar, at codon 696 of the TBX3 protein (p.Ala696Val). The frequency data for this variant in the population databases is considered unreliable, as metrics indicate poor data quality at this position in the gnomAD database. This variant has not been reported in the literature in individuals affected with TBX3-related conditions. ClinVar contains an entry for this variant (Variation ID: 2894480). An algorithm developed to predict the effect of missense changes on protein structure and function (PolyPhen-2) suggests that this variant is likely to be tolerated. In summary, the available evidence is currently insufficient to determine the role of this variant in disease. Therefore, it has been classified as a Variant of Uncertain Significance.

PreventionGenetics, part of Exact Sciences
Classification: Uncertain significance for TBX3-related condition. Last evaluated: 2025-07-08. Review status: criteria provided, single submitter. Criteria: ACMG Guidelines, 2015. Collection method: clinical testing. Allele origin: germline.
Comment: The TBX3 c.2147C>T variant is predicted to result in the amino acid substitution p.Ala716Val. To our knowledge, this variant has not been reported in the literature. This variant is reported in 0.0067% of alleles in individuals of European (non-Finnish) descent in gnomAD. At this time, the clinical significance of this variant is uncertain due to the absence of conclusive functional and genetic evidence.

NM_005996.4(TBX3):c.2087C>T (p.Ala696Val)

Gene: TBX3 (T-box transcription factor 3; minus strand). Cytogenetic location: 12q24.21.
Variant type: single nucleotide variant.
Coding change: c.2087C>T on transcript NM_005996.4 (MANE Select); coding-DNA position 2087, C replaced by T.
Protein change: p.Ala696Val; replaces alanine 696 with valine.
Molecular consequence: missense variant.
Genome position (GRCh38, 1-based): chr12:114,671,926, G>A on the plus strand (C>T on the coding strand, the complement: TBX3 is on the minus strand). VCF-style: chr12-114671926-G-A. GRCh37 (hg19) VCF-style: chr12-115109731-G-A.
Other names: c.2147C>T (NM_016569.3); c.2147C>T, p.Ala716Val (NM_016569.4); short protein forms A696V, A716V.
Identifiers: ClinVar variation 2894480 (VCV002894480.5), dbSNP rs369538205, ClinGen allele CA6809780.